The following is an entry in ClinVar:

NM_000487.6(ARSA):c.292T>C (p.Ser98Pro)

Gene: ARSA (arylsulfatase A; minus strand). Cytogenetic location: 22q13.33.
Variant type: single nucleotide variant.
Coding change: c.292T>C on transcript NM_000487.6 (MANE Select); coding-DNA position 292, T replaced by C.
Protein change: p.Ser98Pro; replaces serine 98 with proline.
Molecular consequence: missense variant.
Genome position (GRCh38, 1-based): chr22:50,627,339, A>G on the plus strand (T>C on the coding strand, the complement: ARSA is on the minus strand). VCF-style: chr22-50627339-A-G. GRCh37 (hg19) VCF-style: chr22-51065767-A-G.
Other names: c.292T>C, p.Ser98Pro (NM_001085425.3, NM_001085426.3, NM_001085427.3); c.34T>C, p.Ser12Pro (NM_001085428.3, NM_001362782.2); short protein forms S12P, S98P.
Identifiers: ClinVar variation 4803207 (VCV004803207.1).
Genomic context (GRCh38, chr22:50,627,339, plus strand): 5'-AGCCTCGGGCAGCCAGGACTTCGGCCACGGTCACCTCCTCCAGGGGCAGGCCCCCCCGGG[A>G]GCTGGGCACCAGGACGCCAGGGTACATGCCCATCCGAACCGGGAGCCGGCCGGTCAGGAG-3'
Protein context (NP_000478.3, residues 88-108): GMYPGVLVPS[Ser98Pro]RGGLPLEEVT

ClinVar aggregate classification (germline): Likely pathogenic (1 of 4 stars; one submission).

Conditions:
Metachromatic leukodystrophy (MLD). Also called: METACHROMATIC LEUKOENCEPHALOPATHY; SULFATIDE LIPIDOSIS; Cerebral sclerosis diffuse metachromatic form; Arylsulfatase A Deficiency; ARSA DEFICIENCY; CEREBROSIDE SULFATASE DEFICIENCY. Identifiers: Orphanet 512, MedGen C0023522, MONDO:0018868, OMIM 250100.

Submission:

Labcorp Genetics (formerly Invitae), Labcorp
Classification: Likely pathogenic for Metachromatic leukodystrophy. Last evaluated: 2025-06-22. Review status: criteria provided, single submitter. Criteria: Invitae Variant Classification Sherloc (09022015). Collection method: clinical testing. Allele origin: germline.
Comment: This sequence change replaces serine, which is neutral and polar, with proline, which is neutral and non-polar, at codon 98 of the ARSA protein (p.Ser98Pro). This variant is not present in population databases (gnomAD no frequency). This variant has not been reported in the literature in individuals affected with ARSA-related conditions. Invitae Evidence Modeling of protein sequence and biophysical properties (such as structural, functional, and spatial information, amino acid conservation, physicochemical variation, residue mobility, and thermodynamic stability) indicates that this missense variant is expected to disrupt ARSA protein function with a positive predictive value of 95%. This variant disrupts the p.Ser98 amino acid residue in ARSA. Other variant(s) that disrupt this residue have been determined to be pathogenic (PMID: 1678251, 12809637, 22993277, 23701968). This suggests that this residue is clinically significant, and that variants that disrupt this residue are likely to be disease-causing. In summary, the currently available evidence indicates that the variant is pathogenic, but additional data are needed to prove that conclusively. Therefore, this variant has been classified as Likely Pathogenic.

Literature cited by the submitters: PubMed 1678251; PubMed 12809637; PubMed 22993277; PubMed 23701968.